The following is an entry in ClinVar:

NM_004369.4(COL6A3):c.6282+1G>A

Gene: COL6A3 (collagen type VI alpha 3 chain; minus strand). Cytogenetic location: 2q37.3.
Variant type: single nucleotide variant.
Coding change: c.6282+1G>A on transcript NM_004369.4 (MANE Select); the canonical splice donor site of the intron after coding-DNA position 6282, G replaced by A.
Molecular consequence: splice donor variant.
Genome position (GRCh38, 1-based): chr2:237,360,087, C>T on the plus strand (G>A on the coding strand, the complement: COL6A3 is on the minus strand). VCF-style: chr2-237360087-C-T. GRCh37 (hg19) VCF-style: chr2-238268730-C-T.
Other names: c.4461+1G>A (NM_057166.5); c.5664+1G>A (NM_057167.4).
Identifiers: ClinVar variation 94959 (VCV000094959.16), dbSNP rs398124128, ClinGen allele CA222638.
Genomic context (GRCh38, chr2:237,360,087, plus strand): 5'-GGAGAAACTGCGAGTCACCTGACCCCTCCCCACGCTAGCAACCCCATCACCCACGCCTCA[C>T]CTTTACTCCTCTCTGGCCCGGGCAGCCCTGGAAACCTTGAGTGCCGTTCACACCAGGCGG-3'

ClinVar aggregate classification (germline): Pathogenic. Review status: criteria provided, multiple submitters, no conflicts (2 of 4 stars). 6 submissions from 6 submitters: Pathogenic (6). Last evaluated 2025-12-05.

Conditions:
Inborn genetic diseases. Identifiers: MedGen C0950123, MeSH D030342.
Ullrich congenital muscular dystrophy 1A. Also called: Ullrich congenital muscular dystrophy 1; Intermediate COL6-RD. Identifiers: Orphanet 75840, MedGen C0410179, MONDO:0009681, OMIM 254090.
Bethlem myopathy 1A. Also called: Bethlem myopathy 1; Bethlem Muscular Dystrophy; MYOPATHY, BENIGN CONGENITAL, WITH CONTRACTURES. Identifiers: Orphanet 610, MedGen CN029274, MONDO:0024530, OMIM 158810.

Submissions (6):

Ambry Genetics
Classification: Pathogenic for Inborn genetic diseases. Last evaluated: 2025-12-05. Review status: criteria provided, single submitter. Criteria: Ambry Variant Classification Scheme 2023. Collection method: clinical testing. Allele origin: germline.
Comment: Thec.6282+1G>A intronic variant consists of a G to A substitution one nucleotide after exon 17 (coding exon 16) of the COL6A3 gene. Alterations that disrupt the canonical splice site are expected to result in aberrant splicing. A resulting transcript is predicted to be in-frame and is not expected to trigger nonsense-mediated mRNAdecay, although direct evidence is unavailable. This variant was not reported in population-based cohorts in the Genome Aggregation Database (gnomAD). This variant was determined to be de novo in at least one individual with features consistent with autosomal dominant COL6A3-related myopathy (NCBI ClinVar 2025). Reporter, manually add the following reference to references list on report: National Center for Biotechnology Information. ClinVar; [VCV000094959.13], (accessed Dec. 4, 2025). This nucleotide position is highly conserved in available vertebrate species. In silico splice site analysis predicts that this alteration will weaken the native splice donor site. Based on the available evidence, this alteration is classified as pathogenic.

Dasa
Classification: Pathogenic. Last evaluated: 2025-11-18. Review status: criteria provided, single submitter. Criteria: DASA Assertion Criteria. Collection method: clinical testing. Allele origin: germline.
Comment: NM_004369.4(COL6A3):c.6282+1G>A introduces a premature termination codon predicted to result in loss of normal protein function. Loss-of-function is an established mechanism of disease for this gene. This variant results in the same amino acid change as a previously established pathogenic variant. This variant has been reported in individuals with related phenotype (PMID: 25635128). The variant is present at low frequency in population datasets. Based on the available data, this variant is classified as pathogenic.

Labcorp Genetics (formerly Invitae), Labcorp
Classification: Pathogenic for Bethlem myopathy 1A. Last evaluated: 2021-11-13. Review status: criteria provided, single submitter. Criteria: Invitae Variant Classification Sherloc (09022015). Collection method: clinical testing. Allele origin: germline.
Comment: Disruption of this splice site has been observed in individual(s) with clinical features of autosomal dominant COL6A3-related disease (PMID: 25635128). In at least one individual the variant was observed to be de novo. This variant is not present in population databases (gnomAD no frequency). This sequence change affects a donor splice site in intron 17 of the COL6A3 gene. It is expected to disrupt RNA splicing. Variants that disrupt the donor or acceptor splice site typically lead to a loss of protein function (PMID: 16199547), and loss-of-function variants in COL6A3 are known to be disease-causing for autosomal recessive COL6A3 conditions (PMID: 21280092, 20976770). However, certain variants affecting donor or acceptor splice sites in the triple helical domain of COL6A3 are expected to result in in-frame exon skipping and have been reported to cause autosomal dominant COL6A3-related conditions (PMID: 18366090). For these reasons, this variant has been classified as Pathogenic. Algorithms developed to predict the effect of sequence changes on RNA splicing suggest that this variant may disrupt the consensus splice site. ClinVar contains an entry for this variant (Variation ID: 94959).

3billion
Classification: Pathogenic for Ullrich congenital muscular dystrophy 1A. Last evaluated: 2021-10-02. Review status: criteria provided, single submitter. Criteria: ACMG Guidelines, 2015. Collection method: clinical testing. Allele origin: germline. Affected: yes. Observed: 1 heterozygote.
Comment: Canonical splice site: predicted to alter splicing and result in a loss or disruption of normal protein function through nonsense-mediated decay (NMD) or protein truncation. Multiple pathogenic variants are reported downstream of the variant (PVS1_VS). The variant was observed as assumed (i.e. paternity and maternity not confirmed) de novoo (3billion dataset, PM6). It is not observed in the gnomAD v2.1.1 dataset (PM2). The variant has been reported as pathogenic (ClinVar ID: VCV000094959.4). Therefore, this variant is classified as pathogenic according to the recommendation of ACMG/AMP guideline.

Eurofins Ntd Llc (ga)
Classification: Pathogenic. Last evaluated: 2016-08-11. Review status: criteria provided, single submitter. Criteria: EGL Classification Definitions. Collection method: clinical testing. Allele origin: germline. Observed: 2 variant alleles, 2 heterozygotes.

GeneDx
Classification: Pathogenic. Last evaluated: 2016-06-24. Review status: criteria provided, single submitter. Criteria: GeneDx Variant Classification (06012015). Collection method: clinical testing. Allele origin: germline. Affected: yes.
Comment: The c.6282+1G>A pathogenic variant in the COL6A3 gene has not been reported previously as a pathogenic variant nor as a benign variant, to our knowledge. This splice site variant destroys the canonical splice donor site in intron 17. It is predicted to cause abnormal gene splicing, either leading to an abnormal message that is subject to nonsense-mediated mRNA decay, or to an abnormal protein product if the message is used for protein translation. The c.6282+1G>A variant was not observed in approximately 6,500 individuals of European and African American ancestry in the NHLBI Exome Sequencing Project, indicating it is not a common benign variant in these populations. A splicing variant at the same position (c.6282+1G>C) has been reported as a de novo variant in association with muscular dystrophy (Chae et al., 2015), supporting the functional importance of this splice site and suggesting autosomal dominant inheritance for this variant. We interpret c.6282+1G>A as a pathogenic variant.

Literature cited by the submitters: PubMed 25635128 (cited by Dasa and Labcorp Genetics (formerly Invitae), Labcorp); PubMed 16199547 (cited by Labcorp Genetics (formerly Invitae), Labcorp); PubMed 21280092 (cited by Labcorp Genetics (formerly Invitae), Labcorp); PubMed 20976770 (cited by Labcorp Genetics (formerly Invitae), Labcorp); PubMed 18366090 (cited by Labcorp Genetics (formerly Invitae), Labcorp).